The following is an entry in ClinVar:

ClinVar aggregate classification (germline): Benign/Likely benign. Review status: criteria provided, multiple submitters, no conflicts (2 of 4 stars). 7 submissions from 7 submitters: Benign (5); Likely benign (1). 1 of the submissions does not count toward it. Last evaluated 2026-02-02.

Conditions:
NEBL-related disorder. Also called: NEBL-related condition.
Primary dilated cardiomyopathy (DCM). Also called: Dilated Cardiomyopathy. Identifiers: Orphanet 217604, MedGen C0007193, MeSH D002311, MONDO:0005021, HP:0001644. Inheritance: Various modes of inheritance.

Allele frequency attached by ClinVar (database versions not stated): gnomAD exomes 0.00106; ExAC 0.00169; 1000 Genomes Project 30x 0.00312; 1000 Genomes Project 0.00319; ESP Exome Variant Server 0.00438; gnomAD 0.00464 and 0.00501; TOPMed 0.00514.
gnomAD v4.1: 1,345 of 1,595,888 alleles (0.084%); highest among the groups gnomAD compares: African/African-American, 1.6%; 14 homozygotes.

Submissions (7):

Labcorp Genetics (formerly Invitae), Labcorp
Classification: Benign for Primary dilated cardiomyopathy. Last evaluated: 2026-02-02. Review status: criteria provided, single submitter. Criteria: Invitae Variant Classification Sherloc (09022015). Collection method: clinical testing. Allele origin: germline.

Women's Health and Genetics/Laboratory Corporation of America, LabCorp
Classification: Likely benign. Last evaluated: 2023-08-19. Review status: criteria provided, single submitter. Criteria: LabCorp Variant Classification Summary - May 2015. Collection method: clinical testing. Allele origin: germline.

Eurofins Ntd Llc (ga)
Classification: Benign. Last evaluated: 2015-04-10. Review status: criteria provided, single submitter. Criteria: EGL Classification Definitions 2015. Collection method: clinical testing. Allele origin: germline. Observed: 1 variant allele, 1 heterozygote.

GeneDx
Classification: Benign. Last evaluated: 2014-08-13. Review status: criteria provided, single submitter. Criteria: GeneDx Variant Classification (06012015). Collection method: clinical testing. Allele origin: germline. Affected: yes.
Comment: This variant is considered likely benign or benign based on one or more of the following criteria: it is a conservative change, it occurs at a poorly conserved position in the protein, it is predicted to be benign by multiple in silico algorithms, and/or has population frequency not consistent with disease.

Laboratory for Molecular Medicine, Mass General Brigham Personalized Medicine
Classification: Benign. Last evaluated: 2012-03-19. Review status: criteria provided, single submitter. Criteria: LMM Criteria. Collection method: clinical testing. Allele origin: germline. Observed: 7 variant alleles.
Comment: p.Pro4Leu in Exon 01 of NEBL: This variant is not expected to have clinical sign ificance because it has been identified in 1.3% (49/3738) of African American ch romosomes from a broad population by the NHLBI Exome Sequencing Project (dbSNP rs114918858).

Breakthrough Genomics
Classification: Benign. Review status: criteria provided, single submitter. Criteria: ACMG Guidelines, 2015. Collection method: not provided. Allele origin: germline. Inheritance: Unknown mechanism. Affected: yes.

PreventionGenetics, part of Exact Sciences
Classification: Benign for NEBL-related condition. Last evaluated: 2019-02-21. Review status: no assertion criteria provided. Collection method: clinical testing. Allele origin: germline. Not counted in ClinVar's aggregate classification.
Comment: This variant is classified as benign based on ACMG/AMP sequence variant interpretation guidelines (Richards et al. 2015 PMID: 25741868, with internal and published modifications).

NM_006393.3(NEBL):c.11C>T (p.Pro4Leu)

Gene: NEBL (nebulette; minus strand). Cytogenetic location: 10p12.31.
Variant type: single nucleotide variant.
Coding change: c.11C>T on transcript NM_006393.3 (MANE Select); coding-DNA position 11, C replaced by T.
Protein change: p.Pro4Leu; replaces proline 4 with leucine.
Molecular consequence: missense variant. On other transcripts: intron variant (9).
Genome position (GRCh38, 1-based): chr10:20,897,195, G>A on the plus strand (C>T on the coding strand, the complement: NEBL is on the minus strand). VCF-style: chr10-20897195-G-A. GRCh37 (hg19) VCF-style: chr10-21186124-G-A.
Other names: p.P4L:CCT>CTT; c.249+64477C>T (NM_001377326.1, NM_001377327.1, NM_001377328.1); c.357+64477C>T (NM_213569.2, NM_001173484.2, NM_001377322.1); c.300+64477C>T (NM_001377324.1); c.291+64477C>T (NM_001377325.1); c.309+64477C>T (NM_001377323.1); short protein forms P4L.
Identifiers: ClinVar variation 45476 (VCV000045476.23), dbSNP rs114918858, ClinGen allele CA136390.